The following is an entry in ClinVar:

NM_001142864.4(PIEZO1):c.6879C>A (p.Tyr2293Ter)

Gene: PIEZO1 (piezo type mechanosensitive ion channel component 1 (Er blood group); minus strand). Cytogenetic location: 16q24.3.
Variant type: single nucleotide variant.
Coding change: c.6879C>A on transcript NM_001142864.4 (MANE Select); coding-DNA position 6879, C replaced by A.
Protein change: p.Tyr2293Ter; replaces tyrosine 2293 with a stop codon.
Molecular consequence: nonsense.
Genome position (GRCh38, 1-based): chr16:88,716,606, G>T on the plus strand (C>A on the coding strand, the complement: PIEZO1 is on the minus strand). VCF-style: chr16-88716606-G-T. GRCh37 (hg19) VCF-style: chr16-88783014-G-T.
Other names: short protein forms Y2293*.
Identifiers: ClinVar variation 3766121 (VCV003766121.1).

ClinVar aggregate classification (germline): Likely pathogenic (1 of 4 stars; one submission).

Submission:

GeneDx
Classification: Likely pathogenic. Last evaluated: 2024-08-31. Review status: criteria provided, single submitter. Criteria: GeneDx Variant Classification Process June 2021. Collection method: clinical testing. Allele origin: germline. Affected: yes.
Comment: Reported in one individual from a case control study evaluating a possible association between PIEZO1 variants and varicose veins, but no further clinical information was provided and it is unclear if this individual has varicose veins or is from the control group (PMID: 34358671); Nonsense variant predicted to result in protein truncation or nonsense mediated decay in a gene for which loss of function is a known mechanism of disease; Not observed at significant frequency in large population cohorts (gnomAD); This variant is associated with the following publications: (PMID: 34358671)